The following is an entry in ClinVar:

NM_173630.4(RTTN):c.4253T>C (p.Val1418Ala)

Gene: RTTN (rotatin; minus strand). Cytogenetic location: 18q22.2.
Variant type: single nucleotide variant.
Coding change: c.4253T>C on transcript NM_173630.4 (MANE Select); coding-DNA position 4253, T replaced by C.
Protein change: p.Val1418Ala; replaces valine 1418 with alanine.
Molecular consequence: missense variant.
Genome position (GRCh38, 1-based): chr18:70,088,038, A>G on the plus strand (T>C on the coding strand, the complement: RTTN is on the minus strand). VCF-style: chr18-70088038-A-G. GRCh37 (hg19) VCF-style: chr18-67755274-A-G.
Other names: c.1517T>C, p.Val506Ala (NM_001318520.2); short protein forms V1418A, V506A.
Identifiers: ClinVar variation 1180409 (VCV001180409.9), dbSNP rs376967382, ClinGen allele CA8995345.

ClinVar aggregate classification (germline): Conflicting classifications of pathogenicity. Review status: criteria provided, conflicting classifications (1 of 4 stars). 4 submissions from 4 submitters: Uncertain significance (3); Likely benign (1). Last evaluated 2025-09-28.

Conditions:
Inborn genetic diseases. Identifiers: MedGen C0950123, MeSH D030342.

Allele frequency attached by ClinVar (database versions not stated): gnomAD 0.00006; TOPMed 0.00008; ExAC 0.00001.
gnomAD v4.1: 59 of 1,613,664 alleles (0.0037%); highest among the groups gnomAD compares: Middle Eastern, 0.18%; no homozygotes.

Submissions (4):

Ambry Genetics
Classification: Uncertain significance for Inborn genetic diseases. Last evaluated: 2025-09-28. Review status: criteria provided, single submitter. Criteria: Ambry Variant Classification Scheme 2023. Collection method: clinical testing. Allele origin: germline.

Women's Health and Genetics/Laboratory Corporation of America, LabCorp
Classification: Uncertain significance. Last evaluated: 2025-02-17. Review status: criteria provided, single submitter. Criteria: LabCorp Variant Classification Summary - May 2015. Collection method: clinical testing. Allele origin: germline.
Comment: Variant summary: RTTN c.4253T>C (p.Val1418Ala) results in a non-conservative amino acid change in the encoded protein sequence. Three of five in-silico tools predict a benign effect of the variant on protein function. The variant allele was found at a frequency of 2.8e-05 in 249312 control chromosomes. The available data on variant occurrences in the general population are insufficient to allow any conclusion about variant significance. To our knowledge, no occurrence of c.4253T>C in individuals affected with Microcephalic Primordial Dwarfism Due To RTTN Deficiency and no experimental evidence demonstrating its impact on protein function have been reported. ClinVar contains an entry for this variant (Variation ID: 1180409). Based on the evidence outlined above, the variant was classified as uncertain significance.

Labcorp Genetics (formerly Invitae), Labcorp
Classification: Uncertain significance. Last evaluated: 2021-09-24. Review status: criteria provided, single submitter. Criteria: Invitae Variant Classification Sherloc (09022015). Collection method: clinical testing. Allele origin: germline.

GeneDx
Classification: Likely benign. Last evaluated: 2020-03-04. Review status: criteria provided, single submitter. Criteria: GeneDx Variant Classification Process June 2021. Collection method: clinical testing. Allele origin: germline. Affected: yes.